The following is an entry in ClinVar:

NM_001256071.3(RNF213):c.3404C>T (p.Ala1135Val)

Gene: RNF213 (ring finger protein 213; plus strand). Cytogenetic location: 17q25.3.
Variant type: single nucleotide variant.
Coding change: c.3404C>T on transcript NM_001256071.3 (MANE Select); coding-DNA position 3404, C replaced by T.
Protein change: p.Ala1135Val; replaces alanine 1135 with valine.
Molecular consequence: missense variant.
Genome position (GRCh38, 1-based): chr17:80,328,364, C>T. VCF-style: chr17-80328364-C-T. GRCh37 (hg19) VCF-style: chr17-78302164-C-T.
Other names: p.Ala1135Val; short protein forms A1135V.
Identifiers: ClinVar variation 417839 (VCV000417839.36), dbSNP rs201493500, ClinGen allele CA8820177.

ClinVar aggregate classification (germline): Benign/Likely benign. Review status: criteria provided, multiple submitters, no conflicts (2 of 4 stars). 7 submissions from 7 submitters: Benign (3); Likely benign (2). 2 of the submissions do not count toward it. Last evaluated 2025-07-23.

Conditions:
RNF213-related disorder. Also called: RNF213-related condition.
Moyamoya disease 2 (MYMY2). Also called: MOYAMOYA DISEASE 2, SUSCEPTIBILITY TO. Identifiers: Orphanet 2573, MedGen C1846689, MONDO:0011784, OMIM 607151.

Allele frequency attached by ClinVar (database versions not stated): 1000 Genomes Project 0.00040; 1000 Genomes Project 30x 0.00062; gnomAD exomes 0.00081 and 0.00209; ExAC 0.00291; gnomAD 0.00291 and 0.00317; TOPMed 0.00311.
gnomAD v4.1: 1,632 of 1,537,112 alleles (0.11%); highest among the groups gnomAD compares: African/African-American, 0.79%; 5 homozygotes.

Submissions (7):

Labcorp Genetics (formerly Invitae), Labcorp
Classification: Benign. Last evaluated: 2025-07-23. Review status: criteria provided, single submitter. Criteria: Invitae Variant Classification Sherloc (09022015). Collection method: clinical testing. Allele origin: germline.

Mayo Clinic Laboratories, Mayo Clinic
Classification: Benign. Last evaluated: 2025-03-06. Review status: criteria provided, single submitter. Criteria: ACMG Guidelines, 2015. Collection method: clinical testing. Allele origin: germline. Observed: 1 variant allele.
Comment: BS1, BS2, BP4_strong

Blueprint Genetics
Classification: Likely benign. Last evaluated: 2024-09-19. Review status: criteria provided, single submitter. Criteria: ACMG Guidelines, 2015. Collection method: clinical testing. Allele origin: germline.

CeGaT Center for Human Genetics Tuebingen
Classification: Likely benign. Last evaluated: 2022-12-01. Review status: criteria provided, single submitter. Criteria: CeGaT Center For Human Genetics Tuebingen Variant Classification Criteria Version 2. Collection method: clinical testing. Allele origin: germline. Affected: yes. Observed: 2 variant alleles.
Comment: RNF213: BP4

Breakthrough Genomics
Classification: Benign. Review status: criteria provided, single submitter. Criteria: ACMG Guidelines, 2015. Collection method: not provided. Allele origin: germline. Inheritance: Autosomal dominant inheritance. Affected: yes.

PreventionGenetics, part of Exact Sciences
Classification: Likely benign for RNF213-related condition. Last evaluated: 2023-01-30. Review status: no assertion criteria provided. Collection method: clinical testing. Allele origin: germline. Not counted in ClinVar's aggregate classification.
Comment: This variant is classified as likely benign based on ACMG/AMP sequence variant interpretation guidelines (Richards et al. 2015 PMID: 25741868, with internal and published modifications).

UMR-S1161, Institut national de la santé et de la recherche médicale
Classification: Uncertain significance for Moyamoya disease 2. Last evaluated: 2017-03-03. Review status: no assertion criteria provided. Collection method: research. Allele origin: unknown. Affected: yes. Study: Rare RNF213 variants in Caucasian moyamoya patients. Not counted in ClinVar's aggregate classification.